The following is an entry in ClinVar:

NM_198576.4(AGRN):c.1231C>T (p.Arg411Cys)

Gene: AGRN (agrin; plus strand). Cytogenetic location: 1p36.33.
Variant type: single nucleotide variant.
Coding change: c.1231C>T on transcript NM_198576.4 (MANE Select); coding-DNA position 1231, C replaced by T.
Protein change: p.Arg411Cys; replaces arginine 411 with cysteine.
Molecular consequence: missense variant.
Genome position (GRCh38, 1-based): chr1:1,042,009, C>T. VCF-style: chr1-1042009-C-T. GRCh37 (hg19) VCF-style: chr1-977389-C-T.
Other names: c.1231C>T, p.Arg411Cys (NM_001305275.2); c.916C>T, p.Arg306Cys (NM_001364727.2); c.1231C>T (NM_198576.3); short protein forms R306C, R411C.
Identifiers: ClinVar variation 2417520 (VCV002417520.4), dbSNP rs1644956705, ClinGen allele CA337827750.
Genomic context (GRCh38, chr1:1,042,009, plus strand): 5'-GTCCTAGACCAGTGCCCGGAGCCCTGCCGGTTCAATGCCGTGTGCCTGTCCCGCCGTGGC[C>T]GTCCCCGCTGCTCCTGCGACCGCGTCACCTGTGACGGGGCCTACAGGCCCGTGTGTGCCC-3'
Protein context (NP_940978.2, residues 401-421): FNAVCLSRRG[Arg411Cys]PRCSCDRVTC

ClinVar aggregate classification (germline): Uncertain significance. Review status: criteria provided, multiple submitters, no conflicts (2 of 4 stars). 2 submissions from 2 submitters: Uncertain significance (2). Last evaluated 2024-10-20.

Conditions:
Inborn genetic diseases. Identifiers: MedGen C0950123, MeSH D030342.
Congenital myasthenic syndrome 8. Also called: Myasthenic syndrome, congenital, 8, with pre- and postsynaptic defects; MYASTHENIC SYNDROME, CONGENITAL, DUE TO AGRIN DEFICIENCY. Identifiers: Orphanet 590, MedGen C3808739, MONDO:0014052, OMIM 615120.

Allele frequency attached by ClinVar (database versions not stated): TOPMed below 0.00001; gnomAD exomes 0.00001.
gnomAD v4.1: 8 of 1,611,452 alleles (0.0005%); highest among the groups gnomAD compares: South Asian, 0.0011%; no homozygotes.

Submissions (2):

Ambry Genetics
Classification: Uncertain significance for Inborn genetic diseases. Last evaluated: 2024-10-20. Review status: criteria provided, single submitter. Criteria: Ambry Variant Classification Scheme 2023. Collection method: clinical testing. Allele origin: germline.

Labcorp Genetics (formerly Invitae), Labcorp
Classification: Uncertain significance for Congenital myasthenic syndrome 8. Last evaluated: 2022-04-18. Review status: criteria provided, single submitter. Criteria: Invitae Variant Classification Sherloc (09022015). Collection method: clinical testing. Allele origin: germline.
Comment: This sequence change replaces arginine, which is basic and polar, with cysteine, which is neutral and slightly polar, at codon 411 of the AGRN protein (p.Arg411Cys). This variant is not present in population databases (gnomAD no frequency). This variant has not been reported in the literature in individuals affected with AGRN-related conditions. Algorithms developed to predict the effect of missense changes on protein structure and function are either unavailable or do not agree on the potential impact of this missense change (SIFT: "Deleterious"; PolyPhen-2: "Possibly Damaging"; Align-GVGD: "Class C0"). In summary, the available evidence is currently insufficient to determine the role of this variant in disease. Therefore, it has been classified as a Variant of Uncertain Significance.